The following is an entry in ClinVar:

NM_144631.6(ZNF513):c.325G>A (p.Gly109Arg)

Gene: ZNF513 (zinc finger protein 513; minus strand). Cytogenetic location: 2p23.3.
Variant type: single nucleotide variant.
Coding change: c.325G>A on transcript NM_144631.6 (MANE Select); coding-DNA position 325, G replaced by A.
Protein change: p.Gly109Arg; replaces glycine 109 with arginine.
Molecular consequence: missense variant.
Genome position (GRCh38, 1-based): chr2:27,378,941, C>T on the plus strand (G>A on the coding strand, the complement: ZNF513 is on the minus strand). VCF-style: chr2-27378941-C-T. GRCh37 (hg19) VCF-style: chr2-27601808-C-T.
Other names: c.139G>A, p.Gly47Arg (NM_001201459.2); short protein forms G109R, G47R.
Identifiers: ClinVar variation 2055424 (VCV002055424.4), dbSNP rs2465625736, ClinGen allele CA346218604.
Genomic context (GRCh38, chr2:27,378,941, plus strand): 5'-CACCTGTCGGCCCCCCACACAGCTGGCAGGCTGGGCCTGGCCTCTCACCCCTGGCCTCCC[C>T]TGGACCCCTGGCTGGCTCCTCAACTTCACTCTCCGCACTTAGTGCCCGGCCGCCCCCAGA-3'
Protein context (NP_653232.3, residues 99-119): SEVEEPARGP[Gly109Arg]EARGERPGPA

ClinVar aggregate classification (germline): Uncertain significance (1 of 4 stars; one submission).

Submission:

Labcorp Genetics (formerly Invitae), Labcorp
Classification: Uncertain significance. Last evaluated: 2021-12-23. Review status: criteria provided, single submitter. Criteria: Invitae Variant Classification Sherloc (09022015). Collection method: clinical testing. Allele origin: germline.
Comment: In summary, the available evidence is currently insufficient to determine the role of this variant in disease. Therefore, it has been classified as a Variant of Uncertain Significance. Algorithms developed to predict the effect of missense changes on protein structure and function (SIFT, PolyPhen-2, Align-GVGD) all suggest that this variant is likely to be disruptive. This variant is not present in population databases (gnomAD no frequency). This variant has not been reported in the literature in individuals affected with ZNF513-related conditions. This sequence change replaces glycine, which is neutral and non-polar, with arginine, which is basic and polar, at codon 109 of the ZNF513 protein (p.Gly109Arg).